The following is an entry in ClinVar:

NM_001242896.3(DEPDC5):c.2898C>A (p.Cys966Ter)

Gene: DEPDC5 (DEP domain containing 5, GATOR1 subcomplex subunit; plus strand). Cytogenetic location: 22q12.3.
Variant type: single nucleotide variant.
Coding change: c.2898C>A on transcript NM_001242896.3 (MANE Select); coding-DNA position 2898, C replaced by A.
Protein change: p.Cys966Ter; replaces cysteine 966 with a stop codon.
Molecular consequence: nonsense. On other transcripts: non-coding transcript variant (5).
Genome position (GRCh38, 1-based): chr22:31,845,114, C>A. VCF-style: chr22-31845114-C-A. GRCh37 (hg19) VCF-style: chr22-32241100-C-A.
Other names: c.2871C>A, p.Cys957Ter (NM_001136029.4, NM_001369903.1, NM_014662.6); c.2664C>A, p.Cys888Ter (NM_001242897.2, NM_001363854.2, NM_001364319.2); c.2898C>A, p.Cys966Ter (NM_001363852.2, NM_001364318.2, NM_001364320.2); c.2814C>A, p.Cys938Ter (NM_001369901.1, NM_001369902.1); short protein forms C888*, C938*, C957*, C966*.
Identifiers: ClinVar variation 1071348 (VCV001071348.7), dbSNP rs748986619, ClinGen allele CA411291172.

ClinVar aggregate classification (germline): Pathogenic (1 of 4 stars; one submission).

Conditions:
Familial focal epilepsy with variable foci (FPEVF). Identifiers: Orphanet 98820, MedGen C1858477, MONDO:0020310.

Submission:

Labcorp Genetics (formerly Invitae), Labcorp
Classification: Pathogenic for Familial focal epilepsy with variable foci. Last evaluated: 2020-08-25. Review status: criteria provided, single submitter. Criteria: Invitae Variant Classification Sherloc (09022015). Collection method: clinical testing. Allele origin: germline.
Comment: For these reasons, this variant has been classified as Pathogenic. Loss-of-function variants in DEPDC5 are known to be pathogenic (PMID: 23542697, 23542701). This variant has not been reported in the literature in individuals with DEPDC5-related conditions. This variant is not present in population databases (ExAC no frequency). This sequence change creates a premature translational stop signal (p.Cys966*) in the DEPDC5 gene. It is expected to result in an absent or disrupted protein product.

Literature cited by the submitters: PubMed 23542697; PubMed 23542701.